The following is an entry in ClinVar:

ClinVar aggregate classification (germline): Uncertain significance (1 of 4 stars; one submission).

Conditions:
Early-infantile DEE. Also called: Early infantile epileptic encephalopathy; Early infantile epileptic encephalopathy with suppression bursts; Ohtahara syndrome. Identifiers: Orphanet 1934, MedGen C0393706, MONDO:0800491.

Submission:

Labcorp Genetics (formerly Invitae), Labcorp
Classification: Uncertain significance for Early-infantile DEE. Last evaluated: 2026-01-17. Review status: criteria provided, single submitter. Criteria: Invitae Variant Classification Sherloc (09022015). Collection method: clinical testing. Allele origin: germline.
Comment: This sequence change falls in intron 4 of the KCNQ2 gene. It does not directly change the encoded amino acid sequence of the KCNQ2 protein. It affects a nucleotide within the consensus splice site. This variant is not present in population databases (gnomAD no frequency). This variant has been observed in individual(s) with clinical features of KCNQ2-related conditions (internal data). Variants that disrupt the consensus splice site are a relatively common cause of aberrant splicing (PMID: 17576681, 9536098). Algorithms developed to predict the effect of sequence changes on RNA splicing suggest that this variant may disrupt the consensus splice site. In summary, the available evidence is currently insufficient to determine the role of this variant in disease. Therefore, it has been classified as a Variant of Uncertain Significance.

Literature cited by the submitters: PubMed 17576681; PubMed 9536098.

NM_172107.4(KCNQ2):c.690+3_690+6del

Gene: KCNQ2 (potassium voltage-gated channel subfamily Q member 2; minus strand). Cytogenetic location: 20q13.33.
Variant type: Deletion.
Coding change: c.690+3_690+6del on transcript NM_172107.4 (MANE Select); bases 3 to 6 of the intron after coding-DNA position 690, 4 bases deleted (GAGT; older notation c.690+3_690+6delGAGT).
Molecular consequence: splice donor variant.
Genome position (GRCh38, 1-based): chr20:63,444,653-63,444,656, ACTC deleted on the plus strand (GAGT on the coding strand, the reverse complement: KCNQ2 is on the minus strand); deleting any 4 consecutive bases within chr20:63,444,653-63,444,658 gives the same sequence; the c. name uses the placement nearest the transcript's 3' end. VCF-style (leftmost placement, unchanged base first): chr20-63444652-GACTC-G. GRCh37 (hg19) VCF-style: chr20-62076005-GACTC-G.
Other names: c.690+3_690+6del (NM_001439004.1, NM_004518.6, NM_172108.5 and 4 more transcripts).
Identifiers: ClinVar variation 4735527 (VCV004735527.1).
Genomic context (GRCh38, chr20:63,444,652, plus strand): 5'-GCCCGGTCTGGGCCAGGACTCTCGCTGGCTGGGGGCGCCCACCGCCAGCCTTGGGGCCGT[GACTC>G]ACCTTGCTGTGGGCATAGACCACAGAGCCCAGCAGCTTCCAGGTGCCTCCCCGCCGGTCC-3'